The following is an entry in ClinVar:

ClinVar aggregate classification (germline): Uncertain significance (1 of 4 stars; one submission).

Submission:

Labcorp Genetics (formerly Invitae), Labcorp
Classification: Uncertain significance. Last evaluated: 2022-06-16. Review status: criteria provided, single submitter. Criteria: Invitae Variant Classification Sherloc (09022015). Collection method: clinical testing. Allele origin: germline.
Comment: This sequence change replaces phenylalanine, which is neutral and non-polar, with serine, which is neutral and polar, at codon 453 of the TYRP1 protein (p.Phe453Ser). In summary, the available evidence is currently insufficient to determine the role of this variant in disease. Therefore, it has been classified as a Variant of Uncertain Significance. Algorithms developed to predict the effect of missense changes on protein structure and function are either unavailable or do not agree on the potential impact of this missense change (SIFT: "Deleterious"; PolyPhen-2: "Probably Damaging"; Align-GVGD: "Class C15"). This missense change has been observed in individual(s) with albinism (Invitae). In at least one individual the data is consistent with being in trans (on the opposite chromosome) from a pathogenic variant. This variant is not present in population databases (gnomAD no frequency).

NM_000550.3(TYRP1):c.1358T>C (p.Phe453Ser)

Genes: LURAP1L-AS1 (LURAP1L antisense RNA 1; minus strand), TYRP1 (tyrosinase related protein 1; plus strand). Cytogenetic location: 9p23.
Variant type: single nucleotide variant.
Coding change: c.1358T>C on transcript NM_000550.3 (MANE Select); coding-DNA position 1358, T replaced by C.
Protein change: p.Phe453Ser; replaces phenylalanine 453 with serine.
Molecular consequence: missense variant.
Genome position (GRCh38, 1-based): chr9:12,708,093, T>C. VCF-style: chr9-12708093-T-C. GRCh37 (hg19) VCF-style: chr9-12708093-T-C.
Other names: short protein forms F453S.
Identifiers: ClinVar variation 2085078 (VCV002085078.4), dbSNP rs2537293527, ClinGen allele CA372943982.